The following is an entry in ClinVar:

NM_006796.3(AFG3L2):c.2132G>T (p.Arg711Ile)

Gene: AFG3L2 (AFG3 like matrix AAA peptidase subunit 2; minus strand). Cytogenetic location: 18p11.21.
Variant type: single nucleotide variant.
Coding change: c.2132G>T on transcript NM_006796.3 (MANE Select); coding-DNA position 2132, G replaced by T.
Protein change: p.Arg711Ile; replaces arginine 711 with isoleucine.
Molecular consequence: missense variant.
Genome position (GRCh38, 1-based): chr18:12,337,384, C>A on the plus strand (G>T on the coding strand, the complement: AFG3L2 is on the minus strand). VCF-style: chr18-12337384-C-A. GRCh37 (hg19) VCF-style: chr18-12337383-C-A.
Other names: short protein forms R711I.
Identifiers: ClinVar variation 2648595 (VCV002648595.28), dbSNP rs1399438718, ClinGen allele CA401943732.

ClinVar aggregate classification (germline): Uncertain significance. Review status: criteria provided, multiple submitters, no conflicts (2 of 4 stars). 3 submissions from 3 submitters: Uncertain significance (3). Last evaluated 2024-07-01.

Conditions:
Intellectual disability. Also called: Intellectual functioning disability; intellectual disabilities; Intellectual developmental disorder. Identifiers: MedGen C3714756, MeSH D008607, MONDO:0001071, HP:0001249.

Allele frequency attached by ClinVar (database versions not stated): TOPMed below 0.00001; gnomAD exomes 0.00001.
gnomAD v4.1: 11 of 1,614,146 alleles (0.00068%); highest among the groups gnomAD compares: Non-Finnish European, 0.00085%; no homozygotes.

Submissions (3):

CeGaT Center for Human Genetics Tuebingen
Classification: Uncertain significance. Last evaluated: 2024-07-01. Review status: criteria provided, single submitter. Criteria: CeGaT Center For Human Genetics Tuebingen Variant Classification Criteria Version 2. Collection method: clinical testing. Allele origin: germline. Affected: yes. Observed: 2 variant alleles.
Comment: AFG3L2: PM2:Supporting

Labcorp Genetics (formerly Invitae), Labcorp
Classification: Uncertain significance. Last evaluated: 2023-07-28. Review status: criteria provided, single submitter. Criteria: Invitae Variant Classification Sherloc (09022015). Collection method: clinical testing. Allele origin: germline.
Comment: This sequence change replaces arginine, which is basic and polar, with isoleucine, which is neutral and non-polar, at codon 711 of the AFG3L2 protein (p.Arg711Ile). In summary, the available evidence is currently insufficient to determine the role of this variant in disease. Therefore, it has been classified as a Variant of Uncertain Significance. Advanced modeling of protein sequence and biophysical properties (such as structural, functional, and spatial information, amino acid conservation, physicochemical variation, residue mobility, and thermodynamic stability) has been performed at Invitae for this missense variant, however the output from this modeling did not meet the statistical confidence thresholds required to predict the impact of this variant on AFG3L2 protein function. This variant has not been reported in the literature in individuals affected with AFG3L2-related conditions. This variant is present in population databases (no rsID available, gnomAD no frequency).

Cambridge Genomics Laboratory, East Genomic Laboratory Hub, NHS Genomic Medicine Service
Classification: Uncertain significance for Intellectual disability. Last evaluated: 2019-05-23. Review status: criteria provided, single submitter. Criteria: ACGS Best Practice Guidelines for Variant Classification in Rare Disease 2020. Collection method: clinical testing. Allele origin: germline. Affected: yes. Observed: 1 variant allele.